The following is an entry in ClinVar:

NM_004360.5(CDH1):c.1711+8G>A

Gene: CDH1 (cadherin 1; plus strand). Cytogenetic location: 16q22.1.
Variant type: single nucleotide variant.
Coding change: c.1711+8G>A on transcript NM_004360.5 (MANE Select); 8 bases into the intron after coding-DNA position 1711, G replaced by A.
Molecular consequence: intron variant.
Genome position (GRCh38, 1-based): chr16:68,819,433, G>A. VCF-style: chr16-68819433-G-A. GRCh37 (hg19) VCF-style: chr16-68853336-G-A.
Other names: c.163+8G>A (NM_001317185.2); c.-254-2568G>A (NM_001317186.2); c.1528+8G>A (NM_001317184.2).
Identifiers: ClinVar variation 3378474 (VCV003378474.1).

ClinVar aggregate classification (germline): Likely benign (1 of 4 stars; one submission).

Conditions:
Hereditary diffuse gastric adenocarcinoma (HDGC). Also called: DIFFUSE GASTRIC AND LOBULAR BREAST CANCER SYNDROME. Identifiers: Orphanet 26106, MedGen C1708349, MONDO:0007648, OMIM 137215.

gnomAD v4.1: 1 of 1,612,884 alleles (0.000062%); highest among the groups gnomAD compares: Non-Finnish European, 0.000085%; no homozygotes.

Submission:

Myriad Genetics, Inc.
Classification: Likely benign for Hereditary diffuse gastric adenocarcinoma. Last evaluated: 2024-09-19. Review status: criteria provided, single submitter. Criteria: Myriad Autosomal Dominant, Autosomal Recessive and X-Linked Classification Criteria (2023). Collection method: clinical testing. Allele origin: unknown.
Comment: This variant is considered likely benign. This variant is intronic and is not expected to impact mRNA splicing.